The following is an entry in ClinVar:

ClinVar aggregate classification (germline): Benign. Review status: criteria provided, single submitter (1 of 4 stars). 2 submissions from 2 submitters: Benign (1). 1 of the submissions does not count toward it. Last evaluated 2024-01-24.

Conditions:
SETD2-related disorder.
Luscan-Lumish syndrome. Identifiers: Orphanet 597738, MedGen C4085873, MONDO:0014791, OMIM 616831.

Allele frequency attached by ClinVar (database versions not stated): gnomAD 0.00001; gnomAD exomes 0.00001; TOPMed 0.00001.
gnomAD v4.1: 16 of 1,551,226 alleles (0.001%); highest among the groups gnomAD compares: East Asian, 0.034%; no homozygotes.

Submissions (2):

Labcorp Genetics (formerly Invitae), Labcorp
Classification: Benign for Luscan-Lumish syndrome. Last evaluated: 2024-01-24. Review status: criteria provided, single submitter. Criteria: Invitae Variant Classification Sherloc (09022015). Collection method: clinical testing. Allele origin: germline.

PreventionGenetics, part of Exact Sciences
Classification: Likely benign for SETD2-related condition. Last evaluated: 2019-08-08. Review status: no assertion criteria provided. Collection method: clinical testing. Allele origin: germline. Not counted in ClinVar's aggregate classification.
Comment: This variant is classified as likely benign based on ACMG/AMP sequence variant interpretation guidelines (Richards et al. 2015 PMID: 25741868, with internal and published modifications).

NM_014159.7(SETD2):c.1152A>G (p.Glu384=)

Gene: SETD2 (SET domain containing 2, histone lysine methyltransferase; minus strand). Cytogenetic location: 3p21.31.
Variant type: single nucleotide variant.
Coding change: c.1152A>G on transcript NM_014159.7 (MANE Select); coding-DNA position 1152, A replaced by G.
Protein change: p.Glu384=; no amino-acid change (glutamic acid 384 retained).
Molecular consequence: synonymous variant. On other transcripts: non-coding transcript variant (1).
Genome position (GRCh38, 1-based): chr3:47,123,484, T>C on the plus strand (A>G on the coding strand, the complement: SETD2 is on the minus strand). VCF-style: chr3-47123484-T-C. GRCh37 (hg19) VCF-style: chr3-47164974-T-C.
Other names: c.1020A>G, p.Glu340= (NM_001349370.3).
Identifiers: ClinVar variation 2852068 (VCV002852068.5), dbSNP rs1263311477, ClinGen allele CA433602842.